The following is an entry in ClinVar:

ClinVar aggregate classification (germline): Uncertain significance (1 of 4 stars; one submission).

gnomAD v4.1: 1 of 1,613,990 alleles (0.000062%); no homozygotes.

Submission:

Labcorp Genetics (formerly Invitae), Labcorp
Classification: Uncertain significance. Last evaluated: 2021-08-23. Review status: criteria provided, single submitter. Criteria: Invitae Variant Classification Sherloc (09022015). Collection method: clinical testing. Allele origin: germline.
Comment: In summary, the available evidence is currently insufficient to determine the role of this variant in disease. Therefore, it has been classified as a Variant of Uncertain Significance. Algorithms developed to predict the effect of missense changes on protein structure and function are either unavailable or do not agree on the potential impact of this missense change (SIFT: "Deleterious"; PolyPhen-2: "Probably Damaging"; Align-GVGD: "Class C0"). This variant has not been reported in the literature in individuals affected with KIAA1549-related conditions. This variant is not present in population databases (ExAC no frequency). This sequence change replaces proline with leucine at codon 1631 of the KIAA1549 protein (p.Pro1631Leu). The proline residue is highly conserved and there is a moderate physicochemical difference between proline and leucine.

NM_001164665.2(KIAA1549):c.4892C>T (p.Pro1631Leu)

Gene: KIAA1549 (KIAA1549; minus strand). Cytogenetic location: 7q34.
Variant type: single nucleotide variant.
Coding change: c.4892C>T on transcript NM_001164665.2 (MANE Select); coding-DNA position 4892, C replaced by T.
Protein change: p.Pro1631Leu; replaces proline 1631 with leucine.
Molecular consequence: missense variant.
Genome position (GRCh38, 1-based): chr7:138,868,012, G>A on the plus strand (C>T on the coding strand, the complement: KIAA1549 is on the minus strand). VCF-style: chr7-138868012-G-A. GRCh37 (hg19) VCF-style: chr7-138552758-G-A.
Other names: c.4892C>T, p.Pro1631Leu (NM_020910.3); short protein forms P1631L.
Identifiers: ClinVar variation 1445625 (VCV001445625.6), dbSNP rs2130378806, ClinGen allele CA369397388.